The following is an entry in ClinVar:

NM_033028.5(BBS4):c.1311C>G (p.Thr437=)

Gene: BBS4 (Bardet-Biedl syndrome 4; plus strand). Cytogenetic location: 15q24.1.
Variant type: single nucleotide variant.
Coding change: c.1311C>G on transcript NM_033028.5 (MANE Select); coding-DNA position 1311, C replaced by G.
Protein change: p.Thr437=; no amino-acid change (threonine 437 retained).
Molecular consequence: synonymous variant. On other transcripts: non-coding transcript variant (2).
Genome position (GRCh38, 1-based): chr15:72,736,824, C>G. VCF-style: chr15-72736824-C-G. GRCh37 (hg19) VCF-style: chr15-73029165-C-G.
Other names: c.795C>G, p.Thr265= (NM_001252678.2); c.1242C>G, p.Thr414= (NM_001320665.2).
Identifiers: ClinVar variation 1087723 (VCV001087723.15), dbSNP rs945847885, ClinGen allele CA272646547.

ClinVar aggregate classification (germline): Likely benign. Review status: criteria provided, multiple submitters, no conflicts (2 of 4 stars). 5 submissions from 5 submitters: Likely benign (4). 1 of the submissions does not count toward it. Last evaluated 2024-05-24.

Conditions:
BBS4-related disorder. Also called: BBS4-related condition.
Bardet-Biedl syndrome (BBS). Identifiers: Orphanet 110, MedGen C0752166, MONDO:0015229.
Bardet-Biedl syndrome 4 (BBS4). Identifiers: Orphanet 110, MedGen C2936864, MONDO:0014433, OMIM 615982.

Allele frequency attached by ClinVar (database versions not stated): gnomAD exomes below 0.00001 and 0.00001; gnomAD 0.00003 and 0.00004; TOPMed 0.00009.
gnomAD v4.1: 10 of 1,614,016 alleles (0.00062%); highest among the groups gnomAD compares: Admixed American, 0.0083%; no homozygotes.

Submissions (5):

Labcorp Genetics (formerly Invitae), Labcorp
Classification: Likely benign for Bardet-Biedl syndrome. Last evaluated: 2024-05-24. Review status: criteria provided, single submitter. Criteria: Invitae Variant Classification Sherloc (09022015). Collection method: clinical testing. Allele origin: germline.

Fulgent Genetics
Classification: Likely benign for Bardet-Biedl syndrome 4. Last evaluated: 2021-10-22. Review status: criteria provided, single submitter. Criteria: ACMG Guidelines, 2015. Collection method: clinical testing. Allele origin: unknown.

Blueprint Genetics
Classification: Likely benign. Last evaluated: 2021-05-05. Review status: criteria provided, single submitter. Criteria: ACMG Guidelines, 2015. Collection method: clinical testing. Allele origin: germline.

Genetic Services Laboratory, University of Chicago
Classification: Likely benign. Last evaluated: 2019-04-15. Review status: criteria provided, single submitter. Criteria: ACMG Guidelines, 2015. Collection method: clinical testing. Allele origin: germline. Affected: no.

PreventionGenetics, part of Exact Sciences
Classification: Likely benign for BBS4-related condition. Last evaluated: 2020-11-16. Review status: no assertion criteria provided. Collection method: clinical testing. Allele origin: germline. Not counted in ClinVar's aggregate classification.
Comment: This variant is classified as likely benign based on ACMG/AMP sequence variant interpretation guidelines (Richards et al. 2015 PMID: 25741868, with internal and published modifications).